The following is an entry in ClinVar:

ClinVar aggregate classification (germline): Uncertain significance (1 of 4 stars; one submission).

gnomAD v4.1: 3 of 1,613,464 alleles (0.00019%); highest among the groups gnomAD compares: African/African-American, 0.0013%; no homozygotes.

Submission:

CeGaT Center for Human Genetics Tuebingen
Classification: Uncertain significance. Last evaluated: 2026-09-01. Review status: criteria provided, single submitter. Criteria: CeGaT Center For Human Genetics Tuebingen Variant Classification Criteria Version 2. Collection method: clinical testing. Allele origin: germline. Affected: yes. Observed: 1 variant allele.
Comment: TTN: PM2

NM_001267550.2(TTN):c.80441G>T (p.Gly26814Val)

Genes: TTN (titin; minus strand), TTN-AS1 (TTN antisense RNA 1; plus strand). Cytogenetic location: 2q31.2.
Variant type: single nucleotide variant.
Coding change: c.80441G>T on transcript NM_001267550.2 (MANE Select); coding-DNA position 80441, G replaced by T.
Protein change: p.Gly26814Val; replaces glycine 26814 with valine.
Molecular consequence: missense variant.
Genome position (GRCh38, 1-based): chr2:178,565,691, C>A on the plus strand (G>T on the coding strand, the complement: TTN is on the minus strand). VCF-style: chr2-178565691-C-A. GRCh37 (hg19) VCF-style: chr2-179430418-C-A.
Other names: c.75518G>T, p.Gly25173Val (NM_001256850.1); c.53246G>T, p.Gly17749Val (NM_003319.4); c.72737G>T, p.Gly24246Val (NM_133378.4); c.53621G>T, p.Gly17874Val (NM_133432.3); c.53822G>T, p.Gly17941Val (NM_133437.4); short protein forms G17749V, G17874V, G17941V, G24246V, G25173V, G26814V.
Identifiers: ClinVar variation 5041625 (VCV005041625.1).